The following is an entry in ClinVar:

NM_020706.2(SCAF4):c.1216dup (p.Thr406fs)

Gene: SCAF4 (SR-related CTD associated factor 4; minus strand). Cytogenetic location: 21q22.11.
Variant type: Duplication.
Coding change: c.1216dup on transcript NM_020706.2 (MANE Select); coding-DNA position 1216, one base duplicated (A; older notation c.1216dupA).
Protein change: p.Thr406fs; shifts the reading frame from threonine 406.
Molecular consequence: frameshift variant.
Genome position (GRCh38, 1-based): chr21:31,694,833, T duplicated on the plus strand (A on the coding strand, the reverse complement: SCAF4 is on the minus strand). VCF-style (leftmost placement, unchanged base first): chr21-31694832-G-GT. GRCh37 (hg19) VCF-style: chr21-33067145-G-GT.
Other names: c.1171dup, p.Thr391fs (NM_001145444.1); c.1216dup, p.Thr406fs (NM_001145445.1); short protein forms T391fs, T406fs.
Identifiers: ClinVar variation 2854932 (VCV002854932.3), dbSNP rs2516768659, ClinGen allele CA2739277281.
Genomic context (GRCh38, chr21:31,694,832, plus strand): 5'-GCAACAAAAAAAGATAAAACTATCTGAGAATAAAGTTTTACCTGCTGATGCGGCTTCTGT[G>GT]TAAGTGGTTCATTTTGTGCCTGAAAAGAAGCTTGGAAAGGCTGCTGCACTGGTGGAGTTG-3'

ClinVar aggregate classification (germline): Pathogenic (1 of 4 stars; one submission).

Submission:

Labcorp Genetics (formerly Invitae), Labcorp
Classification: Pathogenic. Last evaluated: 2023-04-11. Review status: criteria provided, single submitter. Criteria: Invitae Variant Classification Sherloc (09022015). Collection method: clinical testing. Allele origin: germline.
Comment: This variant is not present in population databases (gnomAD no frequency). This sequence change creates a premature translational stop signal (p.Thr406Asnfs*20) in the SCAF4 gene. It is expected to result in an absent or disrupted protein product. Loss-of-function variants in SCAF4 are known to be pathogenic (PMID: 32730804). For these reasons, this variant has been classified as Pathogenic. This variant has not been reported in the literature in individuals affected with SCAF4-related conditions.

Literature cited by the submitters: PubMed 32730804.